The following is an entry in ClinVar:

NM_000188.3(HK1):c.488T>G (p.Ile163Arg)

Gene: HK1 (hexokinase 1; plus strand). Cytogenetic location: 10q22.1.
Variant type: single nucleotide variant.
Coding change: c.488T>G on transcript NM_000188.3 (MANE Select); coding-DNA position 488, T replaced by G.
Protein change: p.Ile163Arg; replaces isoleucine 163 with arginine.
Molecular consequence: missense variant. On other transcripts: intron variant (2), 5 prime UTR variant (2), non-coding transcript variant (2).
Genome position (GRCh38, 1-based): chr10:69,364,895, T>G. VCF-style: chr10-69364895-T-G. GRCh37 (hg19) VCF-style: chr10-71124651-T-G.
Other names: c.404T>G, p.Ile135Arg (NM_001322366.1, NM_001441143.1); c.488T>G, p.Ile163Arg (NM_001322367.1, NM_001441139.1, NM_001441141.1 and 4 more transcripts); c.500T>G, p.Ile167Arg (NM_001358263.1, NM_001322364.2, NM_033497.3 and 1 more transcripts); c.479T>G, p.Ile160Arg (NM_001441140.1); c.446T>G, p.Ile149Arg (NM_001441142.1); c.-144-3641T>G (NM_001441151.1); c.593T>G, p.Ile198Arg (NM_001322365.2); c.266T>G, p.Ile89Arg (NM_001441147.1); and 6 more; short protein forms I135R, I163R, I167R, I41R, I162R, I89R, I149R, I151R.
Identifiers: ClinVar variation 5007723 (VCV005007723.2).

ClinVar aggregate classification (germline): Uncertain significance (1 of 4 stars; one submission).

Conditions:
Neurodevelopmental disorder with visual defects and brain anomalies. Identifiers: MedGen C5231404, MONDO:0032807, OMIM 618547.
Hemolytic anemia due to hexokinase deficiency (CNSHA5). Also called: ANEMIA, CONGENITAL, NONSPHEROCYTIC HEMOLYTIC, 5; Non-spherocytic hemolytic anemia due to hexokinase deficiency; Hexokinase deficiency hemolytic anemia; HEMOLYTIC ANEMIA, NONSPHEROCYTIC, DUE TO HEXOKINASE DEFICIENCY. Identifiers: Orphanet 90031, MedGen C3150343, MONDO:0009340, OMIM 235700.
Charcot-Marie-Tooth disease type 4G. Also called: CHARCOT-MARIE-TOOTH DISEASE, DEMYELINATING, TYPE 4G; Neuropathy, hereditary motor and sensory, Russe type; CHARCOT-MARIE-TOOTH NEUROPATHY, TYPE 4G. Identifiers: Orphanet 99953, MedGen C1854449, MONDO:0011534, OMIM 605285.
Retinitis pigmentosa 79 (RP79). Identifiers: MedGen C4479526, MONDO:0044320, OMIM 617460.

Submission:

Juno Genomics, Hangzhou Juno Genomics, Inc
Classification: Uncertain significance for Hemolytic anemia due to hexokinase deficiency; Neurodevelopmental disorder with visual defects and brain anomalies; Charcot-Marie-Tooth disease type 4G; Retinitis pigmentosa 79. Review status: criteria provided, single submitter. Criteria: ACMG Guidelines, 2015. Collection method: clinical testing. Allele origin: germline.
Comment: Absent from controls (or at extremely low frequency if recessive) in Genome Aggregation Database.;Missense variant in a gene that has a low rate of benign missense variation.;Multiple lines of computational evidence support a deleterious effect on the gene or gene product.